The following is an entry in ClinVar:

NM_005334.3(HCFC1):c.505T>C (p.Tyr169His)

Gene: HCFC1 (host cell factor C1; minus strand). Cytogenetic location: Xq28.
Variant type: single nucleotide variant.
Coding change: c.505T>C on transcript NM_005334.3 (MANE Select); coding-DNA position 505, T replaced by C.
Protein change: p.Tyr169His; replaces tyrosine 169 with histidine.
Molecular consequence: missense variant.
Genome position (GRCh38, 1-based): chrX:153,963,432, A>G on the plus strand (T>C on the coding strand, the complement: HCFC1 is on the minus strand). VCF-style: chrX-153963432-A-G. GRCh37 (hg19) VCF-style: chrX-153228883-A-G.
Other names: c.505T>C, p.Tyr169His (NM_001410705.1); short protein forms Y169H.
Identifiers: ClinVar variation 3104458 (VCV003104458.1), dbSNP rs2521714365, ClinGen allele CA415150057.

ClinVar aggregate classification (germline): Uncertain significance (1 of 4 stars; one submission).

Conditions:
Inborn genetic diseases. Identifiers: MedGen C0950123, MeSH D030342.

Submission:

Ambry Genetics
Classification: Uncertain significance for Inborn genetic diseases. Last evaluated: 2023-09-27. Review status: criteria provided, single submitter. Criteria: Ambry Variant Classification Scheme 2023. Collection method: clinical testing. Allele origin: germline.
Comment: The c.505T>C (p.Y169H) alteration is located in exon 4 (coding exon 4) of the HCFC1 gene. This alteration results from a T to C substitution at nucleotide position 505, causing the tyrosine (Y) at amino acid position 169 to be replaced by a histidine (H). This variant was not reported in population-based cohorts in the Genome Aggregation Database (gnomAD). This amino acid position is highly conserved in available vertebrate species. This missense alteration is located in a region that has a low rate of benign missense variation (Lek, 2016; Firth, 2009). The in silico prediction for this alteration is inconclusive. Based on insufficient or conflicting evidence, the clinical significance of this alteration remains unclear.